The following is an entry in ClinVar:

NM_001197104.2(KMT2A):c.9739G>A (p.Ala3247Thr)

Gene: KMT2A (lysine methyltransferase 2A; plus strand). Cytogenetic location: 11q23.3.
Variant type: single nucleotide variant.
Coding change: c.9739G>A on transcript NM_001197104.2 (MANE Select); coding-DNA position 9739, G replaced by A.
Protein change: p.Ala3247Thr; replaces alanine 3247 with threonine.
Molecular consequence: missense variant.
Genome position (GRCh38, 1-based): chr11:118,505,631, G>A. VCF-style: chr11-118505631-G-A. GRCh37 (hg19) VCF-style: chr11-118376346-G-A.
Other names: c.9730G>A, p.Ala3244Thr (NM_005933.4); short protein forms A3244T, A3247T.
Identifiers: ClinVar variation 1486158 (VCV001486158.6), dbSNP rs1950568245, ClinGen allele CA382821559.

ClinVar aggregate classification (germline): Uncertain significance (1 of 4 stars; one submission).

Submission:

Labcorp Genetics (formerly Invitae), Labcorp
Classification: Uncertain significance. Last evaluated: 2022-07-05. Review status: criteria provided, single submitter. Criteria: Invitae Variant Classification Sherloc (09022015). Collection method: clinical testing. Allele origin: germline.
Comment: In summary, the available evidence is currently insufficient to determine the role of this variant in disease. Therefore, it has been classified as a Variant of Uncertain Significance. Algorithms developed to predict the effect of missense changes on protein structure and function are either unavailable or do not agree on the potential impact of this missense change (SIFT: "Tolerated"; PolyPhen-2: "Probably Damaging"; Align-GVGD: "Class C0"). ClinVar contains an entry for this variant (Variation ID: 1486158). This variant has not been reported in the literature in individuals affected with KMT2A-related conditions. This variant is not present in population databases (gnomAD no frequency). This sequence change replaces alanine, which is neutral and non-polar, with threonine, which is neutral and polar, at codon 3247 of the KMT2A protein (p.Ala3247Thr).